The following is an entry in ClinVar:

NM_000061.3(BTK):c.1606A>G (p.Lys536Glu)

Gene: BTK (Bruton tyrosine kinase; minus strand). Cytogenetic location: Xq22.1.
Variant type: single nucleotide variant.
Coding change: c.1606A>G on transcript NM_000061.3 (MANE Select); coding-DNA position 1606, A replaced by G.
Protein change: p.Lys536Glu; replaces lysine 536 with glutamic acid.
Molecular consequence: missense variant.
Genome position (GRCh38, 1-based): chrX:101,354,655, T>C on the plus strand (A>G on the coding strand, the complement: BTK is on the minus strand). VCF-style: chrX-101354655-T-C. GRCh37 (hg19) VCF-style: chrX-100609643-T-C.
Other names: c.1708A>G, p.Lys570Glu (NM_001287344.2); c.1078A>G, p.Lys360Glu (NM_001287345.2); short protein forms K570E, K536E, K360E.
Identifiers: ClinVar variation 650738 (VCV000650738.9), dbSNP rs1603003195, ClinGen allele CA413922108.

ClinVar aggregate classification (germline): Uncertain significance (1 of 4 stars; one submission).

Conditions:
X-linked agammaglobulinemia with growth hormone deficiency (IGHD3). Also called: HYPOGAMMAGLOBULINEMIA AND ISOLATED GROWTH HORMONE DEFICIENCY, X-LINKED; IGHD III; ISOLATED GROWTH HORMONE DEFICIENCY, TYPE III, WITH AGAMMAGLOBULINEMIA; AGAMMAGLOBULINEMIA AND ISOLATED GROWTH HORMONE DEFICIENCY, X-LINKED; FLEISHER SYNDROME; Isolated growth hormone deficiency type 3. Identifiers: Orphanet 231692, Orphanet 631, MedGen C0472813, MONDO:0010615, OMIM 307200.

Submission:

Labcorp Genetics (formerly Invitae), Labcorp
Classification: Uncertain significance for X-linked agammaglobulinemia with growth hormone deficiency. Last evaluated: 2022-06-04. Review status: criteria provided, single submitter. Criteria: Invitae Variant Classification Sherloc (09022015). Collection method: clinical testing. Allele origin: germline.
Comment: This missense change has been observed in individual(s) with clinical features of agammaglobulinemia (Invitae). This sequence change replaces lysine, which is basic and polar, with glutamic acid, which is acidic and polar, at codon 536 of the BTK protein (p.Lys536Glu). This variant is not present in population databases (gnomAD no frequency). ClinVar contains an entry for this variant (Variation ID: 650738). Advanced modeling of protein sequence and biophysical properties (such as structural, functional, and spatial information, amino acid conservation, physicochemical variation, residue mobility, and thermodynamic stability) performed at Invitae indicates that this missense variant is expected to disrupt BTK protein function. In summary, the available evidence is currently insufficient to determine the role of this variant in disease. Therefore, it has been classified as a Variant of Uncertain Significance.